The following is an entry in ClinVar:

NM_001982.4(ERBB3):c.2056-3C>G

Gene: ERBB3 (erb-b2 receptor tyrosine kinase 3; plus strand). Cytogenetic location: 12q13.2.
Variant type: single nucleotide variant.
Coding change: c.2056-3C>G on transcript NM_001982.4 (MANE Select); 3 bases into the intron before coding-DNA position 2056, C replaced by G.
Molecular consequence: intron variant.
Genome position (GRCh38, 1-based): chr12:56,096,500, C>G. VCF-style: chr12-56096500-C-G. GRCh37 (hg19) VCF-style: chr12-56490284-C-G.
Identifiers: ClinVar variation 3382627 (VCV003382627.2).

ClinVar aggregate classification (germline): Uncertain significance (1 of 4 stars; one submission).

Conditions:
Visceral neuropathy, familial, 1, autosomal recessive (VSCN1). Identifiers: Orphanet 99811, MedGen C1855733, MONDO:8000011, OMIM 243180.

gnomAD v4.1: 4 of 1,613,826 alleles (0.00025%); highest among the groups gnomAD compares: East Asian, 0.0089%; no homozygotes.

Submission:

Juno Genomics, Hangzhou Juno Genomics, Inc
Classification: Uncertain significance for Visceral neuropathy, familial, 1, autosomal recessive. Review status: criteria provided, single submitter. Criteria: ACMG Guidelines, 2015. Collection method: clinical testing. Allele origin: germline. Affected: yes.
Comment: Absent from controls (or at extremely low frequency if recessive) in Genome Aggregation Database, Exome Sequencing Project, 1000 Genomes Project, or Exome Aggregation Consortium.;Multiple lines of computational evidence support a deleterious effect on the gene or gene product (conservation, evolutionary, splicing impact, etc).;Patient's phenotype or family history is highly specific for a disease with a single genetic etiology.